The following is an entry in ClinVar:

NM_022458.4(LMBR1):c.1399C>G (p.Leu467Val)

Gene: LMBR1 (limb development membrane protein 1; minus strand). Cytogenetic location: 7q36.3.
Variant type: single nucleotide variant.
Coding change: c.1399C>G on transcript NM_022458.4 (MANE Select); coding-DNA position 1399, C replaced by G.
Protein change: p.Leu467Val; replaces leucine 467 with valine.
Molecular consequence: missense variant. On other transcripts: non-coding transcript variant (2).
Genome position (GRCh38, 1-based): chr7:156,684,152, G>C on the plus strand (C>G on the coding strand, the complement: LMBR1 is on the minus strand). VCF-style: chr7-156684152-G-C. GRCh37 (hg19) VCF-style: chr7-156476846-G-C.
Other names: c.1522C>G, p.Leu508Val (NM_001350953.2); c.958C>G, p.Leu320Val (NM_001350954.2); c.943C>G, p.Leu315Val (NM_001350955.2, NM_001350956.2, NM_001363413.2); c.868C>G, p.Leu290Val (NM_001350957.2); c.781C>G, p.Leu261Val (NM_001350958.2); c.1360C>G, p.Leu454Val (NM_001363409.2); c.1237C>G, p.Leu413Val (NM_001363410.2); c.1030C>G, p.Leu344Val (NM_001363411.2); and 1 more; short protein forms L467V, L261V, L290V, L320V, L315V, L413V, L344V, L392V.
Identifiers: ClinVar variation 359421 (VCV000359421.7), dbSNP rs140722848, ClinGen allele CA4587749.

ClinVar aggregate classification (germline): Conflicting classifications of pathogenicity. Review status: criteria provided, conflicting classifications (1 of 4 stars). 3 submissions from 3 submitters: Uncertain significance (1); Benign (1); Likely benign (1). Last evaluated 2025-07-05.

Conditions:
Polydactyly of a triphalangeal thumb. Also called: POLYDACTYLY OF TRIPHALANGEAL THUMB; TRIPHALANGEAL THUMB-POLYDACTYLY SYNDROME; Polydactyly, preaxial type II. Identifiers: Orphanet 2439, Orphanet 2950, Orphanet 93336, MedGen C1868114, MONDO:0008270, OMIM 174500.
Triphalangeal thumb-polysyndactyly syndrome (TPTPS). Also called: TPT-PS SYNDROME; Triphalangeal thumb with polysyndactyly syndrome; TRIPHALANGEAL THUMB WITH POLYSYNDACTYLY. Identifiers: MedGen C5779878, MONDO:0017454, OMIM 190605.
Laurin-Sandrow syndrome (LSS). Also called: FIBULA AND ULNA, DUPLICATION OF, WITH ABSENCE OF TIBIA AND RADIUS; MIRROR HANDS AND FEET WITH NASAL DEFECTS; SANDROW SYNDROME; TETRAMELIC MIRROR-IMAGE POLYDACTYLY. Identifiers: Orphanet 2378, MedGen C1851100, MONDO:0007615, OMIM 135750.
Syndactyly type 4. Also called: HAAS TYPE SYNDACTYLY; Syndactyly, type IV; Polysyndactyly type Haas. Identifiers: Orphanet 93405, MedGen C1861355, MONDO:0008515, OMIM 186200.
Acheiropodia (ACHP). Also called: ACHEIROPODY, BRAZILIAN TYPE; Acheiropody. Identifiers: Orphanet 931, MedGen C0265559, MONDO:0008700, OMIM 200500.

Allele frequency attached by ClinVar (database versions not stated): ESP Exome Variant Server 0.00008; gnomAD exomes 0.00011 and 0.00021; ExAC 0.00015; gnomAD 0.00015 and 0.00016; TOPMed 0.00019; 1000 Genomes Project 30x 0.00047; 1000 Genomes Project 0.00060.
gnomAD v4.1: 209 of 1,613,862 alleles (0.013%); highest among the groups gnomAD compares: Middle Eastern, 0.033%; no homozygotes.

Submissions (3):

Labcorp Genetics (formerly Invitae), Labcorp
Classification: Likely benign. Last evaluated: 2025-07-05. Review status: criteria provided, single submitter. Criteria: Invitae Variant Classification Sherloc (09022015). Collection method: clinical testing. Allele origin: germline.

Department of Pathology and Laboratory Medicine, Sinai Health System
Classification: Uncertain significance for Laurin-Sandrow syndrome; Syndactyly type 4; Triphalangeal thumb-polysyndactyly syndrome; Acheiropodia. Last evaluated: 2020-08-26. Review status: criteria provided, single submitter. Criteria: ACMG Guidelines, 2015. Collection method: research. Allele origin: germline.

Illumina Laboratory Services, Illumina
Classification: Benign for Polydactyly of a triphalangeal thumb. Last evaluated: 2018-01-13. Review status: criteria provided, single submitter. Criteria: ICSL Variant Classification Criteria 13 December 2019. Collection method: clinical testing. Allele origin: germline.
Comment: This variant was observed in the ICSL laboratory as part of a predisposition screen in an ostensibly healthy population. It had not been previously curated by ICSL or reported in the Human Gene Mutation Database (HGMD: prior to June 1st, 2018), and was therefore a candidate for classification through an automated scoring system. Utilizing variant allele frequency, disease prevalence and penetrance estimates, and inheritance mode, an automated score was calculated to assess if this variant is too frequent to cause the disease. Based on the score and internal cut-off values, a variant classified as benign is not then subjected to further curation. The score for this variant resulted in a classification of benign for this disease.